The following is an entry in ClinVar:

ClinVar aggregate classification (germline): Uncertain significance (1 of 4 stars; one submission).

Submission:

GeneDx
Classification: Uncertain significance. Last evaluated: 2024-01-29. Review status: criteria provided, single submitter. Criteria: GeneDx Variant Classification Process June 2021. Collection method: clinical testing. Allele origin: germline. Affected: yes.
Comment: Not observed at significant frequency in large population cohorts (gnomAD); In silico analysis supports that this missense variant does not alter protein structure/function; Has not been previously published as pathogenic or benign to our knowledge

NM_003620.4(PPM1D):c.1141A>C (p.Asn381His)

Gene: PPM1D (protein phosphatase, Mg2+/Mn2+ dependent 1D; plus strand). Cytogenetic location: 17q23.2.
Variant type: single nucleotide variant.
Coding change: c.1141A>C on transcript NM_003620.4 (MANE Select); coding-DNA position 1141, A replaced by C.
Protein change: p.Asn381His; replaces asparagine 381 with histidine.
Molecular consequence: missense variant.
Genome position (GRCh38, 1-based): chr17:60,656,722, A>C. VCF-style: chr17-60656722-A-C. GRCh37 (hg19) VCF-style: chr17-58734083-A-C.
Other names: short protein forms N381H.
Identifiers: ClinVar variation 3368415 (VCV003368415.1).
Genomic context (GRCh38, chr17:60,656,722, plus strand): 5'-CGTATGCTCCGAGCAGATAACACTAGTGCCATAGTAATCTGCATCTCTCCAGAAGTGGAC[A>C]ATCAGGGAAACTTTACCAATGAAGATGAGTTATACCTGAACCTGACTGACAGCCCTTCCT-3'
Protein context (NP_003611.1, residues 371-391): IVICISPEVD[Asn381His]QGNFTNEDEL